The following is an entry in ClinVar:

NM_018060.4(IARS2):c.2312C>G (p.Thr771Ser)

Gene: IARS2 (isoleucyl-tRNA synthetase 2, mitochondrial; plus strand). Cytogenetic location: 1q41.
Variant type: single nucleotide variant.
Coding change: c.2312C>G on transcript NM_018060.4 (MANE Select); coding-DNA position 2312, C replaced by G.
Protein change: p.Thr771Ser; replaces threonine 771 with serine.
Molecular consequence: missense variant.
Genome position (GRCh38, 1-based): chr1:220,140,187, C>G. VCF-style: chr1-220140187-C-G. GRCh37 (hg19) VCF-style: chr1-220313529-C-G.
Other names: p.Thr771Ser; c.2312C>G (NM_018060.3); short protein forms T771S.
Identifiers: ClinVar variation 1482310 (VCV001482310.7), dbSNP rs139473192, ClinGen allele CA1401741.

ClinVar aggregate classification (germline): Uncertain significance. Review status: criteria provided, multiple submitters, no conflicts (2 of 4 stars). 4 submissions from 4 submitters: Uncertain significance (4). Last evaluated 2026-01-18.

Conditions:
Inborn genetic diseases. Identifiers: MedGen C0950123, MeSH D030342.

Allele frequency attached by ClinVar (database versions not stated): ExAC 0.00003; gnomAD 0.00004; TOPMed 0.00004; gnomAD exomes 0.00005; ESP Exome Variant Server 0.00008.
gnomAD v4.1: 67 of 1,602,530 alleles (0.0042%); highest among the groups gnomAD compares: Non-Finnish European, 0.0056%; no homozygotes.

Submissions (4):

Labcorp Genetics (formerly Invitae), Labcorp
Classification: Uncertain significance. Last evaluated: 2026-01-18. Review status: criteria provided, single submitter. Criteria: Invitae Variant Classification Sherloc (09022015). Collection method: clinical testing. Allele origin: germline.
Comment: This sequence change replaces threonine, which is neutral and polar, with serine, which is neutral and polar, at codon 771 of the IARS2 protein (p.Thr771Ser). This variant is present in population databases (rs139473192, gnomAD 0.009%). This variant has not been reported in the literature in individuals affected with IARS2-related conditions. ClinVar contains an entry for this variant (Variation ID: 1482310). An algorithm developed to predict the effect of missense changes on protein structure and function outputs the following: PolyPhen-2: "Benign". The serine amino acid residue is found in multiple mammalian species, which suggests that this missense change does not adversely affect protein function. In summary, the available evidence is currently insufficient to determine the role of this variant in disease. Therefore, it has been classified as a Variant of Uncertain Significance.

Blueprint Genetics
Classification: Uncertain significance. Last evaluated: 2024-03-25. Review status: criteria provided, single submitter. Criteria: ACMG Guidelines, 2015. Collection method: clinical testing. Allele origin: germline.

Ambry Genetics
Classification: Uncertain significance for Inborn genetic diseases. Last evaluated: 2023-12-21. Review status: criteria provided, single submitter. Criteria: Ambry Variant Classification Scheme 2023. Collection method: clinical testing. Allele origin: germline.

Mayo Clinic Laboratories, Mayo Clinic
Classification: Uncertain significance. Last evaluated: 2023-06-05. Review status: criteria provided, single submitter. Criteria: ACMG Guidelines, 2015. Collection method: clinical testing. Allele origin: germline. Observed: 1 variant allele.
Comment: BP4, PM2